The following is an entry in ClinVar:

ClinVar aggregate classification (germline): Uncertain significance (1 of 4 stars; one submission).

Submission:

GeneDx
Classification: Uncertain significance. Last evaluated: 2025-04-30. Review status: criteria provided, single submitter. Criteria: GeneDx Variant Classification Process June 2021. Collection method: clinical testing. Allele origin: germline. Affected: yes.
Comment: Not observed at significant frequency in large population cohorts (gnomAD); In silico analysis supports that this missense variant has a deleterious effect on protein structure/function; Has not been previously published as pathogenic or benign to our knowledge

NM_001145026.2(PTPRQ):c.235C>T (p.Pro79Ser)

Gene: PTPRQ (protein tyrosine phosphatase receptor type Q; plus strand). Cytogenetic location: 12q21.31.
Variant type: single nucleotide variant.
Coding change: c.235C>T on transcript NM_001145026.2 (MANE Select); coding-DNA position 235, C replaced by T.
Protein change: p.Pro79Ser; replaces proline 79 with serine.
Molecular consequence: missense variant.
Genome position (GRCh38, 1-based): chr12:80,445,562, C>T. VCF-style: chr12-80445562-C-T. GRCh37 (hg19) VCF-style: chr12-80839342-C-T.
Other names: short protein forms P79S.
Identifiers: ClinVar variation 4527471 (VCV004527471.1).